The following is an entry in ClinVar:

ClinVar aggregate classification (germline): Likely benign (1 of 4 stars; one submission).

Submission:

CeGaT Center for Human Genetics Tuebingen
Classification: Likely benign. Last evaluated: 2026-09-01. Review status: criteria provided, single submitter. Criteria: CeGaT Center For Human Genetics Tuebingen Variant Classification Criteria Version 2. Collection method: clinical testing. Allele origin: germline. Affected: yes. Observed: 4 variant alleles.
Comment: MSL2: BS1

NC_000003.12:g.136196608A>C

Gene: MSL2 (MSL complex subunit 2; minus strand). Cytogenetic location: 3q22.3.
Variant type: single nucleotide variant.
Genome position: GRCh38 VCF-style: chr3-136196608-A-C. GRCh37 (hg19) VCF-style: chr3-135915450-A-C.
Identifiers: ClinVar variation 4822652 (VCV004822652.4).
Genomic context (GRCh38, chr3:136,196,608, plus strand): 5'-AGTCCCTCACCGCTGCCAACCCACCCTGGGCTCACTGCGCATGCCTGGCTCTCCACTTCG[A>C]CTCTCAGAATGGAGCATGCTCTCTGCGAGCCGACAGCTCTCTTCGCCCCTCCCCCACGTG-3'